The following is an entry in ClinVar:

ClinVar aggregate classification (germline): Pathogenic. Review status: criteria provided, multiple submitters, no conflicts (2 of 4 stars). 4 submissions from 4 submitters: Pathogenic (3). 1 of the submissions does not count toward it. Last evaluated 2025-02-20.

Conditions:
Marinesco-Sjögren syndrome (MSS). Also called: Marinesco-SjÃ¶gren syndrome; Marinesco-Sjogren Syndrome. Identifiers: Orphanet 559, MedGen C0024814, MONDO:0009567, OMIM 248800.

Submissions (4):

Women's Health and Genetics/Laboratory Corporation of America, LabCorp
Classification: Pathogenic for Marinesco-Sjögren syndrome. Last evaluated: 2025-02-20. Review status: criteria provided, single submitter. Criteria: LabCorp Variant Classification Summary - May 2015. Collection method: clinical testing. Allele origin: germline.
Comment: Variant summary: SIL1 c.936dupG (p.Leu313AlafsX39; also reported as 936_937insG in the literature) results in a premature termination codon, predicted to cause a truncation of the encoded protein but is not expected to result in nonsense mediated decay. The variant allele was found at a frequency of 5e-06 in 199616 control chromosomes (gnomAD). c.936dupG has been reported in the literature in multiple individuals particularly of Japanese origin affected with Marinesco-Sjogren Syndrome (Anttonen_2008, Eriguchi_2008). These data indicate that the variant is very likely to be associated with disease. The following publications have been ascertained in the context of this evaluation (PMID: 18285827, 18395226). ClinVar contains an entry for this variant (Variation ID: 2629). Based on the evidence outlined above, the variant was classified as pathogenic.

3billion
Classification: Pathogenic for Marinesco-Sjögren syndrome. Last evaluated: 2024-09-29. Review status: criteria provided, single submitter. Criteria: ACMG Guidelines, 2015. Collection method: clinical testing. Allele origin: germline. Affected: yes.
Comment: The variant is observed at an extremely low frequency in the gnomAD v4.1.0 dataset (total allele frequency: 0.002%). Predicted Consequence/Location: Frameshift: predicted to result in a loss or disruption of normal protein function through nonsense-mediated decay (NMD) or protein truncation. Multiple pathogenic variants are reported downstream of the variant. The variant has been reported to be associated with SIL1 related disorder (ClinVar ID: VCV000002629 /PMID: 18285827). However, the evidence of pathogenicity is insufficient at this time. Therefore, this variant is classified as Pathogenic according to the recommendation of ACMG/AMP guideline.

Neuberg Centre For Genomic Medicine, NCGM
Classification: Pathogenic for Marinesco-Sjögren syndrome. Review status: criteria provided, single submitter. Criteria: ACMG Guidelines, 2015. Collection method: clinical testing. Allele origin: germline. Inheritance: Autosomal recessive inheritance. Affected: yes.
Comment: Studies of patient-derived lymphoblastoid cells showed markedly decreased SIL1 expression as well as increased phosphorylation of EIF2A, indicating increased ER stress which may have hampered proper assembly of immunoglobulins in the ER (Hasegawa S, et al., 2014). This variant causes a frameshift starting with codon Leucine 313, changes this amino acid to Alanine residue, and creates a premature Stop codon at position 39 of the new reading frame, denoted p.Leu313AlafsTer39. Loss of function is a known mechanism of disease in this gene. For these reasons, the variant has been classified as Pathogenic.

OMIM
Classification: Pathogenic for MARINESCO-SJOGREN SYNDROME. Last evaluated: 2014-05-15. Review status: no assertion criteria provided. Collection method: literature only. Allele origin: germline. Not counted in ClinVar's aggregate classification.

Literature cited by the submitters: PubMed 18285827 (cited by 3 submitters); PubMed 18395226 (cited by Women's Health and Genetics/Laboratory Corporation of America, LabCorp); PubMed 24631270 (cited by OMIM).

NM_022464.5(SIL1):c.936dup (p.Leu313fs)

Gene: SIL1 (SIL1 nucleotide exchange factor; minus strand). Cytogenetic location: 5q31.2.
Variant type: Duplication.
Coding change: c.936dup on transcript NM_022464.5 (MANE Select); coding-DNA position 936, one base duplicated (G; older notation c.936dupG).
Protein change: p.Leu313fs; shifts the reading frame from leucine 313.
Molecular consequence: frameshift variant.
Genome position (GRCh38, 1-based): chr5:138,951,264, C duplicated on the plus strand (G on the coding strand, the reverse complement: SIL1 is on the minus strand); the first of 6 consecutive C bases (chr5:138,951,264-138,951,269); duplicating any one gives the same sequence. VCF-style (leftmost placement, unchanged base first): chr5-138951263-G-GC. GRCh37 (hg19) VCF-style: chr5-138286952-G-GC.
Other names: c.936dup, p.Leu313fs (NM_001037633.2); c.936dupG (NM_022464.5); short protein forms L313fs.
Identifiers: ClinVar variation 2629 (VCV000002629.6), dbSNP rs587776544, ClinGen allele CA252375.